The following is an entry in ClinVar:

ClinVar aggregate classification (germline): Pathogenic/Likely pathogenic. Review status: criteria provided, multiple submitters, no conflicts (2 of 4 stars). 2 submissions from 2 submitters: Pathogenic (1); Likely pathogenic (1). Last evaluated 2026-08-18.

Conditions:
Neurodevelopmental disorder with dysmorphic facies and distal skeletal anomalies. Identifiers: MedGen C5231448, MONDO:0032855, OMIM 618659.

Submissions (2):

GeneDx
Classification: Pathogenic. Last evaluated: 2026-08-18. Review status: criteria provided, single submitter. Criteria: GeneDx Variant Classification Process June 2021. Collection method: clinical testing. Allele origin: germline.
Comment: Canonical splice site variant predicted to result in a null allele in a gene for which loss of function is a known mechanism of disease; Not observed at significant frequency in large population cohorts (gnomAD); Has not been previously published as pathogenic or benign to our knowledge

Laboratorio de Genetica e Diagnostico Molecular, Hospital Israelita Albert Einstein
Classification: Likely pathogenic for Neurodevelopmental disorder with dysmorphic facies and distal skeletal anomalies. Last evaluated: 2023-01-27. Review status: criteria provided, single submitter. Criteria: ACMG Guidelines, 2015. Collection method: clinical testing. Allele origin: germline. Affected: yes. Observed: 1 variant allele.
Comment: ACMG classification criteria: PVS1 very strong, PM2 moderated

NM_020338.4(ZMIZ1):c.2835+2_2835+3del

Gene: ZMIZ1 (zinc finger MIZ-type containing 1; plus strand). Cytogenetic location: 10q22.3.
Variant type: Microsatellite.
Coding change: c.2835+2_2835+3del on transcript NM_020338.4 (MANE Select); the canonical splice donor site of the intron after coding-DNA position 2835 through 3 bases into the intron after coding-DNA position 2835, 2 bases deleted (TG; older notation c.2835+2_2835+3delTG).
Molecular consequence: splice donor variant.
Genome position (GRCh38, 1-based): chr10:79,307,573-79,307,574, TG deleted; deleting any 2 consecutive bases within chr10:79,307,571-79,307,574 gives the same sequence; the c. name uses the placement nearest the transcript's 3' end. VCF-style (leftmost placement, unchanged base first): chr10-79307570-CTG-C. GRCh37 (hg19) VCF-style: chr10-81067327-CTG-C.
Identifiers: ClinVar variation 1684053 (VCV001684053.4), dbSNP rs2132094719, ClinGen allele CA912970451.
Genomic context (GRCh38, chr10:79,307,570, plus strand): 5'-CGGACATGCCCAACAACATGGCCGCCCTCGAGAAACCCCTCAGCCACCCCATGCAGGAAA[CTG>C]TGAGTACCTCCTCCTCACCCCATTCCATTCCCCAGCCTTTGGGGTTGATGCCTTGGGATC-3'